The following is an entry in ClinVar:

ClinVar aggregate classification (germline): Uncertain significance (1 of 4 stars; one submission).

Submission:

Labcorp Genetics (formerly Invitae), Labcorp
Classification: Uncertain significance. Last evaluated: 2025-02-24. Review status: criteria provided, single submitter. Criteria: Invitae Variant Classification Sherloc (09022015). Collection method: clinical testing. Allele origin: germline.
Comment: This sequence change replaces proline, which is neutral and non-polar, with threonine, which is neutral and polar, at codon 695 of the AP3B2 protein (p.Pro695Thr). This variant is not present in population databases (gnomAD no frequency). This variant has not been reported in the literature in individuals affected with AP3B2-related conditions. ClinVar contains an entry for this variant (Variation ID: 2098336). An algorithm developed to predict the effect of missense changes on protein structure and function (PolyPhen-2) suggests that this variant is likely to be disruptive. In summary, the available evidence is currently insufficient to determine the role of this variant in disease. Therefore, it has been classified as a Variant of Uncertain Significance.

NM_001278512.2(AP3B2):c.2140C>A (p.Pro714Thr)

Genes: AP3B2 (adaptor related protein complex 3 subunit beta 2; minus strand), CPEB1-AS1 (CPEB1 antisense RNA 1; plus strand). Cytogenetic location: 15q25.2.
Variant type: single nucleotide variant.
Coding change: c.2140C>A on transcript NM_001278512.2 (MANE Select); coding-DNA position 2140, C replaced by A.
Protein change: p.Pro714Thr; replaces proline 714 with threonine.
Molecular consequence: missense variant.
Genome position (GRCh38, 1-based): chr15:82,664,488, G>T on the plus strand (C>A on the coding strand, the complement: AP3B2 is on the minus strand). VCF-style: chr15-82664488-G-T. GRCh37 (hg19) VCF-style: chr15-83333240-G-T.
Other names: c.1987C>A, p.Pro663Thr (NM_001278511.2); c.2083C>A, p.Pro695Thr (NM_004644.5); short protein forms P663T, P695T, P714T.
Identifiers: ClinVar variation 2098336 (VCV002098336.4), dbSNP rs2548697515, ClinGen allele CA393312074.
Genomic context (GRCh38, chr15:82,664,488, plus strand): 5'-TGGACTCCCCAGAGCCGCTCTCACTGCTGCTCTTACTGTCCGATTCACTCTCAGACTCAG[G>T]GTCTGTGGAGGAACAATATGAGGCCTCCTCCCTCATATGCAGGCCTCCTTGGGTCTGGAG-3'
Protein context (NP_001265441.1, residues 704-724): SGPTESADSD[Pro714Thr]ESESESDSKS